The following is an entry in ClinVar:

NM_032043.3(BRIP1):c.67C>A (p.Pro23Thr)

Gene: BRIP1 (BRCA1 interacting DNA helicase 1; minus strand). Cytogenetic location: 17q23.2.
Variant type: single nucleotide variant.
Coding change: c.67C>A on transcript NM_032043.3 (MANE Select); coding-DNA position 67, C replaced by A.
Protein change: p.Pro23Thr; replaces proline 23 with threonine.
Molecular consequence: missense variant.
Genome position (GRCh38, 1-based): chr17:61,861,473, G>T on the plus strand (C>A on the coding strand, the complement: BRIP1 is on the minus strand). VCF-style: chr17-61861473-G-T. GRCh37 (hg19) VCF-style: chr17-59938834-G-T.
Other names: short protein forms P23T.
Identifiers: ClinVar variation 826628 (VCV000826628.15), dbSNP rs1603368425, ClinGen allele CA400485952.

ClinVar aggregate classification (germline): Uncertain significance. Review status: criteria provided, multiple submitters, no conflicts (2 of 4 stars). 2 submissions from 2 submitters: Uncertain significance (2). Last evaluated 2025-09-10.

Conditions:
Hereditary cancer-predisposing syndrome. Also called: Neoplastic Syndromes, Hereditary; Hereditary Cancer Syndrome; Hereditary neoplastic syndrome; Tumor predisposition. Identifiers: Orphanet 140162, MedGen C0027672, MeSH D009386, MONDO:0015356.
Fanconi anemia complementation group J. Also called: BRIP1-Related Fanconi Anemia. Identifiers: Orphanet 84, MedGen C1836860, MONDO:0012187, OMIM 609054.
Familial cancer of breast. Also called: hereditary breast carcinoma; BREAST CANCER, FAMILIAL; Hereditary breast cancer. Identifiers: Orphanet 227535, MedGen C0346153, MONDO:0016419, OMIM 114480. Disease mechanism: loss of function.

Submissions (2):

Labcorp Genetics (formerly Invitae), Labcorp
Classification: Uncertain significance for Familial cancer of breast; Fanconi anemia complementation group J. Last evaluated: 2025-09-10. Review status: criteria provided, single submitter. Criteria: Invitae Variant Classification Sherloc (09022015). Collection method: clinical testing. Allele origin: germline.
Comment: This sequence change replaces proline, which is neutral and non-polar, with threonine, which is neutral and polar, at codon 23 of the BRIP1 protein (p.Pro23Thr). This variant is not present in population databases (gnomAD no frequency). This variant has not been reported in the literature in individuals affected with BRIP1-related conditions. ClinVar contains an entry for this variant (Variation ID: 826628). Invitae Evidence Modeling of protein sequence and biophysical properties (such as structural, functional, and spatial information, amino acid conservation, physicochemical variation, residue mobility, and thermodynamic stability) has been performed for this missense variant. However, the output from this modeling did not meet the statistical confidence thresholds required to predict the impact of this variant on BRIP1 protein function. In summary, the available evidence is currently insufficient to determine the role of this variant in disease. Therefore, it has been classified as a Variant of Uncertain Significance.

Ambry Genetics
Classification: Uncertain significance for Hereditary cancer-predisposing syndrome. Last evaluated: 2025-07-12. Review status: criteria provided, single submitter. Criteria: Ambry Variant Classification Scheme 2023. Collection method: clinical testing. Allele origin: germline.
Comment: The p.P23T variant (also known as c.67C>A), located in coding exon 1 of the BRIP1 gene, results from a C to A substitution at nucleotide position 67. The proline at codon 23 is replaced by threonine, an amino acid with highly similar properties. This amino acid position is highly conserved in available vertebrate species. In addition, this alteration is predicted to be deleterious by in silico analysis. Since supporting evidence is limited at this time, the clinical significance of this alteration remains unclear.